The following is an entry in ClinVar:

NM_153026.3(PRICKLE1):c.707G>T (p.Arg236Leu)

Gene: PRICKLE1 (prickle planar cell polarity protein 1; minus strand). Cytogenetic location: 12q12.
Variant type: single nucleotide variant.
Coding change: c.707G>T on transcript NM_153026.3 (MANE Select); coding-DNA position 707, G replaced by T.
Protein change: p.Arg236Leu; replaces arginine 236 with leucine.
Molecular consequence: missense variant.
Genome position (GRCh38, 1-based): chr12:42,466,262, C>A on the plus strand (G>T on the coding strand, the complement: PRICKLE1 is on the minus strand). VCF-style: chr12-42466262-C-A. GRCh37 (hg19) VCF-style: chr12-42860064-C-A.
Other names: c.707G>T, p.Arg236Leu (NM_001144881.2, NM_001144882.2, NM_001144883.2); short protein forms R236L.
Identifiers: ClinVar variation 948551 (VCV000948551.9), dbSNP rs1457774536, ClinGen allele CA384443354.

ClinVar aggregate classification (germline): Uncertain significance (1 of 4 stars; one submission).

Conditions:
Epilepsy, progressive myoclonic, 1B. Also called: PME. Identifiers: Orphanet 308, MedGen C2676254, MONDO:0012904, OMIM 612437.

Allele frequency attached by ClinVar (database versions not stated): TOPMed below 0.00001.
gnomAD v4.1: 2 of 1,614,182 alleles (0.00012%); highest among the groups gnomAD compares: Non-Finnish European, 0.00017%; no homozygotes.

Submission:

Labcorp Genetics (formerly Invitae), Labcorp
Classification: Uncertain significance for Epilepsy, progressive myoclonic, 1B. Last evaluated: 2019-07-31. Review status: criteria provided, single submitter. Criteria: Invitae Variant Classification Sherloc (09022015). Collection method: clinical testing. Allele origin: germline.
Comment: In summary, the available evidence is currently insufficient to determine the role of this variant in disease. Therefore, it has been classified as a Variant of Uncertain Significance. Algorithms developed to predict the effect of missense changes on protein structure and function (SIFT, PolyPhen-2, Align-GVGD) all suggest that this variant is likely to be disruptive, but these predictions have not been confirmed by published functional studies and their clinical significance is uncertain. This variant has not been reported in the literature in individuals with PRICKLE1-related conditions. This variant is not present in population databases (ExAC no frequency). This sequence change replaces arginine with leucine at codon 236 of the PRICKLE1 protein (p.Arg236Leu). The arginine residue is highly conserved and there is a moderate physicochemical difference between arginine and leucine.